The following is an entry in ClinVar:

NM_000256.3(MYBPC3):c.3620G>A (p.Ser1207Asn)

Gene: MYBPC3 (myosin binding protein C3; minus strand). Cytogenetic location: 11p11.2.
Variant type: single nucleotide variant.
Coding change: c.3620G>A on transcript NM_000256.3 (MANE Select); coding-DNA position 3620, G replaced by A.
Protein change: p.Ser1207Asn; replaces serine 1207 with asparagine.
Molecular consequence: missense variant.
Genome position (GRCh38, 1-based): chr11:47,332,573, C>T on the plus strand (G>A on the coding strand, the complement: MYBPC3 is on the minus strand). VCF-style: chr11-47332573-C-T. GRCh37 (hg19) VCF-style: chr11-47354124-C-T.
Other names: short protein forms S1207N.
Identifiers: ClinVar variation 3667750 (VCV003667750.2).
Genomic context (GRCh38, chr11:47,332,573, plus strand): 5'-GCCTGTGAGCCCTGCCTCCTGGTCGGCCTGGACCAGCGCCTAAAGTTCCCTACCTTGGGG[C>T]TACCCCGGACAGCACAGCAGAGCATAGCAGTGTAGCCCGCGATGACCGAGCGGTTCACCA-3'
Protein context (NP_000247.2, residues 1197-1217): TAMLCCAVRG[Ser1207Asn]PKPKISWFKN

ClinVar aggregate classification (germline): Uncertain significance (1 of 4 stars; one submission).

Conditions:
Hypertrophic cardiomyopathy. Also called: HYPERTROPHIC MYOCARDIOPATHY. Identifiers: Orphanet 217569, MedGen C0007194, MeSH D002312, MONDO:0005045, HP:0001639.

Submission:

Labcorp Genetics (formerly Invitae), Labcorp
Classification: Uncertain significance for Hypertrophic cardiomyopathy. Last evaluated: 2024-08-21. Review status: criteria provided, single submitter. Criteria: Invitae Variant Classification Sherloc (09022015). Collection method: clinical testing. Allele origin: germline.
Comment: This sequence change replaces serine, which is neutral and polar, with asparagine, which is neutral and polar, at codon 1207 of the MYBPC3 protein (p.Ser1207Asn). This variant is not present in population databases (gnomAD no frequency). This variant has not been reported in the literature in individuals affected with MYBPC3-related conditions. An algorithm developed to predict the effect of missense changes on protein structure and function outputs the following: PolyPhen-2: "Benign". The asparagine amino acid residue is found in multiple mammalian species, which suggests that this missense change does not adversely affect protein function. In summary, the available evidence is currently insufficient to determine the role of this variant in disease. Therefore, it has been classified as a Variant of Uncertain Significance.